The following is an entry in ClinVar:

NM_032217.5(ANKRD17):c.7747C>G (p.Gln2583Glu)

Gene: ANKRD17 (ankyrin repeat domain 17; minus strand). Cytogenetic location: 4q13.3.
Variant type: single nucleotide variant.
Coding change: c.7747C>G on transcript NM_032217.5 (MANE Select); coding-DNA position 7747, C replaced by G.
Protein change: p.Gln2583Glu; replaces glutamine 2583 with glutamic acid.
Molecular consequence: missense variant.
Genome position (GRCh38, 1-based): chr4:73,076,945, G>C on the plus strand (C>G on the coding strand, the complement: ANKRD17 is on the minus strand). VCF-style: chr4-73076945-G-C. GRCh37 (hg19) VCF-style: chr4-73942662-G-C.
Other names: c.7408C>G, p.Gln2470Glu (NM_001286771.3); c.7744C>G, p.Gln2582Glu (NM_015574.2); c.6994C>G, p.Gln2332Glu (NM_198889.3); short protein forms Q2332E, Q2470E, Q2582E, Q2583E.
Identifiers: ClinVar variation 3369633 (VCV003369633.1).

ClinVar aggregate classification (germline): Uncertain significance (1 of 4 stars; one submission).

Submission:

GeneDx
Classification: Uncertain significance. Last evaluated: 2024-02-29. Review status: criteria provided, single submitter. Criteria: GeneDx Variant Classification Process June 2021. Collection method: clinical testing. Allele origin: germline. Affected: yes.
Comment: Not observed at significant frequency in large population cohorts (gnomAD); In silico analysis supports that this missense variant does not alter protein structure/function; Has not been previously published as pathogenic or benign to our knowledge